The following is an entry in ClinVar:

ClinVar aggregate classification (germline): Uncertain significance. Review status: criteria provided, multiple submitters, no conflicts (2 of 4 stars). 2 submissions from 2 submitters: Uncertain significance (2). Last evaluated 2025-10-15.

Conditions:
Cowden syndrome (CS). Also called: Cowden's disease; Cowden's syndrome; Cowden disease. Identifiers: Orphanet 201, MedGen C0018553, MONDO:0016063. Disease mechanism: gain of function.

Allele frequency attached by ClinVar (database versions not stated): gnomAD exomes below 0.00001; ExAC 0.00001; gnomAD 0.00001; TOPMed 0.00001.
gnomAD v4.1: 4 of 1,610,246 alleles (0.00025%); highest among the groups gnomAD compares: South Asian, 0.0011%; no homozygotes.

Submissions (2):

Women's Health and Genetics/Laboratory Corporation of America, LabCorp
Classification: Uncertain significance. Last evaluated: 2025-10-15. Review status: criteria provided, single submitter. Criteria: LabCorp Variant Classification Summary - May 2015. Collection method: clinical testing. Allele origin: germline.
Comment: Variant summary: PIK3CA c.2187+3G>A alters a nucleotide located close to a canonical splice site and therefore could affect mRNA splicing, leading to a significantly altered protein sequence. Consensus agreement among computation tools predict no significant impact on normal splicing. However, these predictions have yet to be confirmed by functional studies. The variant allele was found at a frequency of 7.1e-06 in 280202 control chromosomes. The available data on variant occurrences in the general population are insufficient to allow any conclusion about variant significance. To our knowledge, no occurrence of c.2187+3G>A in individuals affected with PIK3CA-related conditions and no experimental evidence demonstrating its impact on protein function have been reported. ClinVar contains an entry for this variant (Variation ID: 1001114). Based on the evidence outlined above, the variant was classified as uncertain significance.

Labcorp Genetics (formerly Invitae), Labcorp
Classification: Uncertain significance for Cowden syndrome. Last evaluated: 2020-10-02. Review status: criteria provided, single submitter. Criteria: Invitae Variant Classification Sherloc (09022015). Collection method: clinical testing. Allele origin: germline.
Comment: Nucleotide substitutions within the consensus splice site are a relatively common cause of aberrant splicing (PMID: 17576681, 9536098). Algorithms developed to predict the effect of sequence changes on RNA splicing suggest that this variant may create or strengthen a splice site, but this prediction has not been confirmed by published transcriptional studies. In summary, the available evidence is currently insufficient to determine the role of this variant in disease. Therefore, it has been classified as a Variant of Uncertain Significance. This variant has not been reported in the literature in individuals with PIK3CA-related conditions. This sequence change falls in intron 14 of the PIK3CA gene. It does not directly change the encoded amino acid sequence of the PIK3CA protein, but it affects a nucleotide within the consensus splice site of the intron. This variant is present in population databases (rs758572428, ExAC 0.006%).

Literature cited by the submitters: PubMed 17576681 (cited by Labcorp Genetics (formerly Invitae), Labcorp); PubMed 9536098 (cited by Labcorp Genetics (formerly Invitae), Labcorp).

NM_006218.4(PIK3CA):c.2187+3G>A

Gene: PIK3CA (phosphatidylinositol-4,5-bisphosphate 3-kinase catalytic subunit alpha; plus strand). Cytogenetic location: 3q26.32.
Variant type: single nucleotide variant.
Coding change: c.2187+3G>A on transcript NM_006218.4 (MANE Select); 3 bases into the intron after coding-DNA position 2187, G replaced by A.
Molecular consequence: intron variant.
Genome position (GRCh38, 1-based): chr3:179,221,160, G>A. VCF-style: chr3-179221160-G-A. GRCh37 (hg19) VCF-style: chr3-178938948-G-A.
Identifiers: ClinVar variation 1001114 (VCV001001114.8), dbSNP rs758572428, ClinGen allele CA2710881.